The following is an entry in ClinVar:

ClinVar aggregate classification (germline): Conflicting classifications of pathogenicity. Review status: criteria provided, conflicting classifications (1 of 4 stars). 4 submissions from 4 submitters: Uncertain significance (2); Likely benign (1). 1 of the submissions does not count toward it. Last evaluated 2022-10-13.

Conditions:
Bardet-Biedl syndrome (BBS). Identifiers: Orphanet 110, MedGen C0752166, MONDO:0015229.
WDPCP-related disorder. Also called: WDPCP-related condition.
Heart defect - tongue hamartoma - polysyndactyly syndrome. Also called: Congenital heart defects, hamartomas of tongue, and polysyndactyly. Identifiers: Orphanet 1338, MedGen C1857587, MONDO:0009008, OMIM 217085.
Bardet-Biedl syndrome 15 (BBS15). Identifiers: Orphanet 110, MedGen C3150127, MONDO:0014443, OMIM 615992.
Inborn genetic diseases. Identifiers: MedGen C0950123, MeSH D030342.

Allele frequency attached by ClinVar (database versions not stated): gnomAD exomes 0.00001 and 0.00006; gnomAD 0.00003; TOPMed 0.00004; ExAC 0.00007.
gnomAD v4.1: 22 of 1,613,906 alleles (0.0014%); highest among the groups gnomAD compares: Admixed American, 0.025%; no homozygotes.

Submissions (4):

Labcorp Genetics (formerly Invitae), Labcorp
Classification: Uncertain significance for Bardet-Biedl syndrome. Last evaluated: 2022-10-13. Review status: criteria provided, single submitter. Criteria: Invitae Variant Classification Sherloc (09022015). Collection method: clinical testing. Allele origin: germline.
Comment: This sequence change replaces isoleucine, which is neutral and non-polar, with valine, which is neutral and non-polar, at codon 231 of the WDPCP protein (p.Ile231Val). This variant is present in population databases (rs769180655, gnomAD 0.01%). This variant has not been reported in the literature in individuals affected with WDPCP-related conditions. ClinVar contains an entry for this variant (Variation ID: 1005664). Advanced modeling of protein sequence and biophysical properties (such as structural, functional, and spatial information, amino acid conservation, physicochemical variation, residue mobility, and thermodynamic stability) performed at Invitae indicates that this missense variant is not expected to disrupt WDPCP protein function. In summary, the available evidence is currently insufficient to determine the role of this variant in disease. Therefore, it has been classified as a Variant of Uncertain Significance.

Fulgent Genetics
Classification: Uncertain significance for Heart defect - tongue hamartoma - polysyndactyly syndrome; Bardet-Biedl syndrome 15. Last evaluated: 2022-04-07. Review status: criteria provided, single submitter. Criteria: ACMG Guidelines, 2015. Collection method: clinical testing. Allele origin: unknown.

Ambry Genetics
Classification: Likely benign for Inborn genetic diseases. Last evaluated: 2022-01-31. Review status: criteria provided, single submitter. Criteria: Ambry Variant Classification Scheme 2023. Collection method: clinical testing. Allele origin: germline.

PreventionGenetics, part of Exact Sciences
Classification: Uncertain significance for WDPCP-related condition. Last evaluated: 2024-09-24. Review status: no assertion criteria provided. Collection method: clinical testing. Allele origin: germline. Not counted in ClinVar's aggregate classification.
Comment: The WDPCP c.691A>G variant is predicted to result in the amino acid substitution p.Ile231Val. To our knowledge, this variant has not been reported in the literature. This variant is reported in 0.026% of alleles in individuals of Latino descent in gnomAD. At this time, the clinical significance of this variant is uncertain due to the absence of conclusive functional and genetic evidence.

NM_015910.7(WDPCP):c.691A>G (p.Ile231Val)

Gene: WDPCP (WD repeat containing planar cell polarity effector; minus strand). Cytogenetic location: 2p15.
Variant type: single nucleotide variant.
Coding change: c.691A>G on transcript NM_015910.7 (MANE Select); coding-DNA position 691, A replaced by G.
Protein change: p.Ile231Val; replaces isoleucine 231 with valine.
Molecular consequence: missense variant. On other transcripts: non-coding transcript variant (3).
Genome position (GRCh38, 1-based): chr2:63,433,879, T>C on the plus strand (A>G on the coding strand, the complement: WDPCP is on the minus strand). VCF-style: chr2-63433879-T-C. GRCh37 (hg19) VCF-style: chr2-63661013-T-C.
Other names: c.691A>G (NM_015910.5); c.214A>G, p.Ile72Val (NM_001042692.3); c.619A>G, p.Ile207Val (NM_001354044.2); c.691A>G, p.Ile231Val (NM_001354045.2); short protein forms I207V, I231V, I72V.
Identifiers: ClinVar variation 1005664 (VCV001005664.9), dbSNP rs769180655, ClinGen allele CA1682371.